The following is an entry in ClinVar:

NM_005271.5(GLUD1):c.547A>G (p.Lys183Glu)

Gene: GLUD1 (glutamate dehydrogenase 1; minus strand). Cytogenetic location: 10q23.2.
Variant type: single nucleotide variant.
Coding change: c.547A>G on transcript NM_005271.5 (MANE Select); coding-DNA position 547, A replaced by G.
Protein change: p.Lys183Glu; replaces lysine 183 with glutamic acid.
Molecular consequence: missense variant.
Genome position (GRCh38, 1-based): chr10:87,076,003, T>C on the plus strand (A>G on the coding strand, the complement: GLUD1 is on the minus strand). VCF-style: chr10-87076003-T-C. GRCh37 (hg19) VCF-style: chr10-88835760-T-C.
Other names: c.148A>G, p.Lys50Glu (NM_001318900.1); c.46A>G, p.Lys16Glu (NM_001318901.1, NM_001318902.1, NM_001318904.2 and 2 more transcripts); short protein forms K183E, K50E, K16E.
Identifiers: ClinVar variation 5009098 (VCV005009098.1).

ClinVar aggregate classification (germline): Uncertain significance (1 of 4 stars; one submission).

gnomAD v4.1: 1 of 1,601,802 alleles (0.000062%); no homozygotes.

Submission:

GeneDx
Classification: Uncertain significance. Last evaluated: 2026-03-12. Review status: criteria provided, single submitter. Criteria: GeneDx Variant Classification Process June 2021. Collection method: clinical testing. Allele origin: germline.
Comment: Not observed at significant frequency in large population cohorts (gnomAD); In silico analysis supports that this missense variant has a deleterious effect on protein structure/function; Has not been previously published as pathogenic or benign to our knowledge